The following is an entry in ClinVar:

NM_001909.5(CTSD):c.268del (p.Gln90fs)

Gene: CTSD (cathepsin D; minus strand). Cytogenetic location: 11p15.5.
Variant type: Deletion.
Coding change: c.268del on transcript NM_001909.5 (MANE Select); coding-DNA position 268, one base deleted (C; older notation c.268delC).
Protein change: p.Gln90fs; shifts the reading frame from glutamine 90.
Molecular consequence: frameshift variant.
Genome position (GRCh38, 1-based): chr11:1,759,600, G deleted on the plus strand (C on the coding strand, the reverse complement: CTSD is on the minus strand); the first of 7 consecutive G bases (chr11:1,759,600-1,759,606); deleting any one gives the same sequence. VCF-style (leftmost placement, unchanged base first): chr11-1759599-TG-T. GRCh37 (hg19) VCF-style: chr11-1780829-TG-T.
Other names: c.268delC (NM_001909.5); short protein forms Q90fs.
Identifiers: ClinVar variation 1452819 (VCV001452819.11), dbSNP rs752612332, ClinGen allele CA471988563.

ClinVar aggregate classification (germline): Pathogenic/Likely pathogenic. Review status: criteria provided, multiple submitters, no conflicts (2 of 4 stars). 3 submissions from 3 submitters: Pathogenic (2); Likely pathogenic (1). Last evaluated 2025-08-06.

Conditions:
CTSD-related disorder. Also called: CTSD-related condition.
Neuronal ceroid lipofuscinosis. Also called: Neuronal Ceroid Lipofuscinoses. Identifiers: Orphanet 216, Orphanet 79263, MedGen C0027877, MONDO:0016295. Disease mechanism: loss of function.

Submissions (3):

Labcorp Genetics (formerly Invitae), Labcorp
Classification: Pathogenic for Neuronal ceroid lipofuscinosis. Last evaluated: 2025-08-06. Review status: criteria provided, single submitter. Criteria: Invitae Variant Classification Sherloc (09022015). Collection method: clinical testing. Allele origin: germline.
Comment: This sequence change creates a premature translational stop signal (p.Gln90Serfs*43) in the CTSD gene. It is expected to result in an absent or disrupted protein product. Loss-of-function variants in CTSD are known to be pathogenic (PMID: 16670177, 26059544). This variant is not present in population databases (gnomAD no frequency). This variant has not been reported in the literature in individuals affected with CTSD-related conditions. ClinVar contains an entry for this variant (Variation ID: 1452819). For these reasons, this variant has been classified as Pathogenic.

Women's Health and Genetics/Laboratory Corporation of America, LabCorp
Classification: Pathogenic for Neuronal ceroid lipofuscinosis. Last evaluated: 2024-03-28. Review status: criteria provided, single submitter. Criteria: LabCorp Variant Classification Summary - May 2015. Collection method: clinical testing. Allele origin: germline.
Comment: Variant summary: CTSD c.268delC (p.Gln90SerfsX43) results in a premature termination codon, predicted to cause a truncation of the encoded protein or absence of the protein due to nonsense mediated decay, which are commonly known mechanisms for disease. The frequency data for this variant in gnomAD is considered unreliable, as metrics indicate poor data quality at this position. To our knowledge, no occurrence of c.268delC in individuals affected with Neuronal Ceroid-Lipofuscinosis (Batten Disease) and no experimental evidence demonstrating its impact on protein function have been reported. ClinVar contains an entry for this variant (Variation ID: 1452819). Based on the evidence outlined above, the variant was classified as pathogenic.

Blueprint Genetics
Classification: Likely pathogenic for CTSD-related disorders. Last evaluated: 2022-02-16. Review status: criteria provided, single submitter. Criteria: ACMG Guidelines, 2015. Collection method: clinical testing. Allele origin: germline. Affected: yes. Observed: 1 variant allele.

Literature cited by the submitters: PubMed 16670177 (cited by Labcorp Genetics (formerly Invitae), Labcorp); PubMed 26059544 (cited by Labcorp Genetics (formerly Invitae), Labcorp).